The following is an entry in ClinVar:

ClinVar aggregate classification (germline): Conflicting classifications of pathogenicity. Review status: criteria provided, conflicting classifications (1 of 4 stars). 6 submissions from 6 submitters: Uncertain significance (1); Likely benign (3). 2 of the submissions do not count toward it. Last evaluated 2025-07-22.

Conditions:
Dilated cardiomyopathy 1G (CMD1G). Identifiers: Orphanet 154, MedGen C1858763, MONDO:0011400, OMIM 604145.
Autosomal recessive limb-girdle muscular dystrophy type 2J (LGMDR10). Also called: Limb-girdle muscular dystrophy, type 2J; MUSCULAR DYSTROPHY, LIMB-GIRDLE, AUTOSOMAL RECESSIVE 10. Identifiers: Orphanet 140922, MedGen C1837342, MONDO:0012127, OMIM 608807.

Allele frequency attached by ClinVar (database versions not stated): TOPMed 0.00003.
gnomAD v4.1: 46 of 1,525,972 alleles (0.003%); highest among the groups gnomAD compares: Non-Finnish European, 0.0039%; no homozygotes.

Submissions (6):

Labcorp Genetics (formerly Invitae), Labcorp
Classification: Likely benign for Dilated cardiomyopathy 1G; Autosomal recessive limb-girdle muscular dystrophy type 2J. Last evaluated: 2025-07-22. Review status: criteria provided, single submitter. Criteria: Invitae Variant Classification Sherloc (09022015). Collection method: clinical testing. Allele origin: germline.

Eurofins Ntd Llc (ga)
Classification: Uncertain significance. Last evaluated: 2017-11-14. Review status: criteria provided, single submitter. Criteria: EGL Classification Definitions 2015. Collection method: clinical testing. Allele origin: germline. Observed: 1 variant allele, 1 heterozygote.

GeneDx
Classification: Likely benign. Last evaluated: 2017-07-10. Review status: criteria provided, single submitter. Criteria: GeneDx Variant Classification (06012015). Collection method: clinical testing. Allele origin: germline. Affected: yes.
Comment: This variant is considered likely benign or benign based on one or more of the following criteria: it is a conservative change, it occurs at a poorly conserved position in the protein, it is predicted to be benign by multiple in silico algorithms, and/or has population frequency not consistent with disease.

Laboratory for Molecular Medicine, Mass General Brigham Personalized Medicine
Classification: Likely benign. Last evaluated: 2012-05-24. Review status: criteria provided, single submitter. Criteria: LMM Criteria. Collection method: clinical testing. Allele origin: germline. Observed: 1 variant allele.
Comment: 30805+9G>T in intron 146 of TTN: This variant is not expected to have clinical s ignificance because it is not located within the splice consensus sequence. 30 805+9G>T in intron 146 of TTN (allele frequency = n/a)

Clinical Genetics, Academic Medical Center
Classification: Benign. Review status: no assertion criteria provided. Collection method: clinical testing. Allele origin: germline. Affected: yes. Study: VKGL Data-share Consensus. Not counted in ClinVar's aggregate classification.

Diagnostic Laboratory, Department of Genetics, University Medical Center Groningen
Classification: Likely benign. Review status: no assertion criteria provided. Collection method: clinical testing. Allele origin: germline. Affected: yes. Study: VKGL Data-share Consensus. Not counted in ClinVar's aggregate classification.

NM_001267550.2(TTN):c.34708+9G>T

Gene: TTN (titin; minus strand). Cytogenetic location: 2q31.2.
Variant type: single nucleotide variant.
Coding change: c.34708+9G>T on transcript NM_001267550.2 (MANE Select); 9 bases into the intron after coding-DNA position 34708, G replaced by T.
Molecular consequence: intron variant.
Genome position (GRCh38, 1-based): chr2:178,674,305, C>A on the plus strand (G>T on the coding strand, the complement: TTN is on the minus strand). VCF-style: chr2-178674305-C-A. GRCh37 (hg19) VCF-style: chr2-179539032-C-A.
Other names: c.13283-31988G>T (NM_003319.4); c.13859-31988G>T (NM_133437.4); c.13658-31988G>T (NM_133432.3); c.30805+9G>T (NM_133378.4); c.33586+9G>T (NM_001256850.1).
Identifiers: ClinVar variation 46905 (VCV000046905.20), dbSNP rs397517551, ClinGen allele CA139479.